The following is an entry in ClinVar:

ClinVar aggregate classification (germline): Pathogenic/Likely pathogenic. Review status: criteria provided, multiple submitters, no conflicts (2 of 4 stars). 3 submissions from 3 submitters: Pathogenic (2); Likely pathogenic (1). Last evaluated 2025-08-04.

Conditions:
Primary ciliary dyskinesia. Also called: Ciliary dyskinesia. Identifiers: Orphanet 244, MedGen C0008780, MONDO:0016575, HP:0012265.

Allele frequency attached by ClinVar (database versions not stated): TOPMed below 0.00001.

Submissions (3):

Natera, Inc.
Classification: Likely pathogenic for Primary ciliary dyskinesia. Last evaluated: 2025-08-04. Review status: criteria provided, single submitter. Criteria: Natera Variant Classification Schema (03/2026). Collection method: clinical testing. Allele origin: germline.
Comment: The c.194_196dup variant in DNAI1 is an in-frame duplication. This variant is expected to result in nonsense mediated decay, truncation, or a dysfunctional protein product. This variant is rare in the general population with a frequency below the threshold expected for the associated phenotype(s). Given the available evidence, this variant is classified as Likely Pathogenic.

Labcorp Genetics (formerly Invitae), Labcorp
Classification: Pathogenic for Primary ciliary dyskinesia. Last evaluated: 2024-11-28. Review status: criteria provided, single submitter. Criteria: Invitae Variant Classification Sherloc (09022015). Collection method: clinical testing. Allele origin: germline.
Comment: This sequence change creates a premature translational stop signal (p.Phe66*) in the DNAI1 gene. It is expected to result in an absent or disrupted protein product. Loss-of-function variants in DNAI1 are known to be pathogenic (PMID: 16858015, 29363216). This variant is not present in population databases (gnomAD no frequency). This variant has not been reported in the literature in individuals affected with DNAI1-related conditions. ClinVar contains an entry for this variant (Variation ID: 2563373). For these reasons, this variant has been classified as Pathogenic.

Ambry Genetics
Classification: Pathogenic for Primary ciliary dyskinesia. Last evaluated: 2023-04-14. Review status: criteria provided, single submitter. Criteria: Ambry Variant Classification Scheme 2023. Collection method: clinical testing. Allele origin: germline.
Comment: The c.194_196dupAGT pathogenic mutation (also known as p.E65_F66ins*), located in coding exon 4 of the DNAI1 gene, results from an in-frame duplication of AGT at nucleotide positions 194 to 196. This results in the insertion of a stop codon between codons 65 and 66. This variant is considered to be rare based on population cohorts in the Genome Aggregation Database (gnomAD). This alteration is expected to result in loss of function by premature protein truncation or nonsense-mediated mRNA decay. As such, this alteration is interpreted as a disease-causing mutation.

Literature cited by the submitters: PubMed 16858015 (cited by Labcorp Genetics (formerly Invitae), Labcorp); PubMed 29363216 (cited by Labcorp Genetics (formerly Invitae), Labcorp).

NM_012144.4(DNAI1):c.194_196dup (p.Phe66Ter)

Gene: DNAI1 (dynein axonemal intermediate chain 1; plus strand). Cytogenetic location: 9p13.3.
Variant type: Duplication.
Coding change: c.194_196dup on transcript NM_012144.4 (MANE Select); coding-DNA positions 194 to 196, 3 bases duplicated (AGT; older notation c.194_196dupAGT).
Protein change: p.Phe66Ter; replaces phenylalanine 66 with a stop codon.
Molecular consequence: nonsense.
Genome position (GRCh38, 1-based): chr9:34,485,450-34,485,452, AGT duplicated. VCF-style (leftmost placement, unchanged base first): chr9-34485449-G-GAGT. GRCh37 (hg19) VCF-style: chr9-34485447-G-GAGT.
Other names: c.194_196dup, p.Phe66Ter (NM_001281428.2); c.194_196dup (NM_012144.3); short protein forms F66*.
Identifiers: ClinVar variation 2563373 (VCV002563373.5), dbSNP rs1824451856, ClinGen allele CA1845571496.
Genomic context (GRCh38, chr9:34,485,449, plus strand): 5'-GGTTGGGGGGTCTTCATGTATGACCCTCTTGGTATTTTTCTCCCTCAGGAGTTAAAGGAG[G>GAGT]AGTTCACTCGGATTTTGACAGCCAACAACCCACACGCACCCCAGAACATTGTCAGGTACA-3'